The following is an entry in ClinVar:

ClinVar aggregate classification (germline): Uncertain significance (1 of 4 stars; one submission).

Conditions:
Hypertrophic cardiomyopathy. Also called: HYPERTROPHIC MYOCARDIOPATHY. Identifiers: Orphanet 217569, MedGen C0007194, MeSH D002312, MONDO:0005045, HP:0001639.

Submission:

Labcorp Genetics (formerly Invitae), Labcorp
Classification: Uncertain significance for Hypertrophic cardiomyopathy. Last evaluated: 2020-11-13. Review status: criteria provided, single submitter. Criteria: Invitae Variant Classification Sherloc (09022015). Collection method: clinical testing. Allele origin: germline.
Comment: This sequence change replaces glutamic acid with glycine at codon 1286 of the MYOM1 protein (p.Glu1286Gly). The glutamic acid residue is moderately conserved and there is a moderate physicochemical difference between glutamic acid and glycine. This variant is not present in population databases (ExAC no frequency). This variant has not been reported in the literature in individuals with MYOM1-related conditions. Algorithms developed to predict the effect of missense changes on protein structure and function are either unavailable or do not agree on the potential impact of this missense change (SIFT: "Deleterious"; PolyPhen-2: "Benign"; Align-GVGD: "Class C0"). In summary, the available evidence is currently insufficient to determine the role of this variant in disease. Therefore, it has been classified as a Variant of Uncertain Significance.

NM_003803.4(MYOM1):c.3857A>G (p.Glu1286Gly)

Gene: MYOM1 (myomesin 1; minus strand). Cytogenetic location: 18p11.31.
Variant type: single nucleotide variant.
Coding change: c.3857A>G on transcript NM_003803.4 (MANE Select); coding-DNA position 3857, A replaced by G.
Protein change: p.Glu1286Gly; replaces glutamic acid 1286 with glycine.
Molecular consequence: missense variant.
Genome position (GRCh38, 1-based): chr18:3,094,177, T>C on the plus strand (A>G on the coding strand, the complement: MYOM1 is on the minus strand). VCF-style: chr18-3094177-T-C. GRCh37 (hg19) VCF-style: chr18-3094175-T-C.
Other names: c.3569A>G, p.Glu1190Gly (NM_019856.2); short protein forms E1286G, E1190G.
Identifiers: ClinVar variation 1346695 (VCV001346695.8), dbSNP rs2143726019, ClinGen allele CA401713272.